The following is an entry in ClinVar:

NM_024630.3(ZDHHC14):c.1255G>A (p.Ala419Thr)

Gene: ZDHHC14 (zDHHC palmitoyltransferase 14; plus strand). Cytogenetic location: 6q25.3.
Variant type: single nucleotide variant.
Coding change: c.1255G>A on transcript NM_024630.3 (MANE Select); coding-DNA position 1255, G replaced by A.
Protein change: p.Ala419Thr; replaces alanine 419 with threonine.
Molecular consequence: missense variant.
Genome position (GRCh38, 1-based): chr6:157,672,910, G>A. VCF-style: chr6-157672910-G-A. GRCh37 (hg19) VCF-style: chr6-158093942-G-A.
Other names: c.1210G>A, p.Ala404Thr (NM_153746.2); short protein forms A419T, A404T.
Identifiers: ClinVar variation 788356 (VCV000788356.27), dbSNP rs73571886, ClinGen allele CA4068666.
Genomic context (GRCh38, chr6:157,672,910, plus strand): 5'-ACGCCCTGCGCCAGCCTCACACTGGGCCCGCCCACACCGCCCGCCTCCATGCCCAACCTC[G>A]CCGAGGCCACGCTCGCGGACGTGATGCCCCGGAAAGATGAGCACATGGGCCACCAGTTCC-3'
Protein context (NP_078906.2, residues 409-429): PTPPASMPNL[Ala419Thr]EATLADVMPR

ClinVar aggregate classification (germline): Benign/Likely benign. Review status: criteria provided, multiple submitters, no conflicts (2 of 4 stars). 2 submissions from 2 submitters: Benign (1); Likely benign (1). Last evaluated 2024-08-01.

Allele frequency attached by ClinVar (database versions not stated): 1000 Genomes Project 0.00659; 1000 Genomes Project 30x 0.00687; TOPMed 0.00706; ESP Exome Variant Server 0.00722; ExAC 0.00951; gnomAD 0.00982 and 0.01030.
gnomAD v4.1: 12,271 of 1,604,682 alleles (0.76%); highest among the groups gnomAD compares: African/African-American, 0.97%; 83 homozygotes.

Submissions (2):

CeGaT Center for Human Genetics Tuebingen
Classification: Likely benign. Last evaluated: 2024-08-01. Review status: criteria provided, single submitter. Criteria: CeGaT Center For Human Genetics Tuebingen Variant Classification Criteria Version 2. Collection method: clinical testing. Allele origin: germline. Affected: yes. Observed: 2 variant alleles.
Comment: ZDHHC14: BP4, BS2

Labcorp Genetics (formerly Invitae), Labcorp
Classification: Benign. Last evaluated: 2019-01-02. Review status: criteria provided, single submitter. Criteria: Invitae Variant Classification Sherloc (09022015). Collection method: clinical testing. Allele origin: germline.